The following is an entry in ClinVar:

ClinVar aggregate classification (germline): Uncertain significance (1 of 4 stars; one submission).

Conditions:
SEMA3G-related disorder. Also called: SEMA3G-related condition.

gnomAD v4.1: 8 of 1,613,950 alleles (0.0005%); highest among the groups gnomAD compares: East Asian, 0.018%; no homozygotes.

Submission:

PreventionGenetics, part of Exact Sciences
Classification: Uncertain significance for SEMA3G-related condition. Last evaluated: 2025-10-13. Review status: criteria provided, single submitter. Criteria: ACMG Guidelines, 2015. Collection method: clinical testing. Allele origin: germline.
Comment: The SEMA3G c.268C>A variant is predicted to result in the amino acid substitution p.Pro90Thr. To our knowledge, this variant has not been reported in the literature or in a large population database (gnomAD), indicating this variant is rare. At this time, the clinical significance of this variant is uncertain due to the absence of conclusive functional and genetic evidence.

NM_020163.3(SEMA3G):c.268C>A (p.Pro90Thr)

Gene: SEMA3G (semaphorin 3G; minus strand). Cytogenetic location: 3p21.1.
Variant type: single nucleotide variant.
Coding change: c.268C>A on transcript NM_020163.3 (MANE Select); coding-DNA position 268, C replaced by A.
Protein change: p.Pro90Thr; replaces proline 90 with threonine.
Molecular consequence: missense variant.
Genome position (GRCh38, 1-based): chr3:52,442,755, G>T on the plus strand (C>A on the coding strand, the complement: SEMA3G is on the minus strand). VCF-style: chr3-52442755-G-T. GRCh37 (hg19) VCF-style: chr3-52476771-G-T.
Other names: short protein forms P90T.
Identifiers: ClinVar variation 4998745 (VCV004998745.1).